The following is an entry in ClinVar:

ClinVar aggregate classification (germline): Uncertain significance (1 of 4 stars; one submission).

Submission:

Dasa
Classification: Uncertain significance. Last evaluated: 2026-03-06. Review status: criteria provided, single submitter. Criteria: DASA Assertion Criteria. Collection method: clinical testing. Allele origin: germline.
Comment: NM_014989.7(RIMS1):c.898C>T (p.Pro300Ser) is a missense variant that results in the substitution of proline with serine. This variant is rare in population databases. The currently available literature and clinical evidence are not sufficient to establish a definitive association between this variant and the reported condition. Therefore, this variant is classified as a variant of uncertain significance.

NM_014989.7(RIMS1):c.898C>T (p.Pro300Ser)

Gene: RIMS1 (regulating synaptic membrane exocytosis 1; plus strand). Cytogenetic location: 6q13.
Variant type: single nucleotide variant.
Coding change: c.898C>T on transcript NM_014989.7 (MANE Select); coding-DNA position 898, C replaced by T.
Protein change: p.Pro300Ser; replaces proline 300 with serine.
Molecular consequence: missense variant.
Genome position (GRCh38, 1-based): chr6:72,182,369, C>T. VCF-style: chr6-72182369-C-T. GRCh37 (hg19) VCF-style: chr6-72892072-C-T.
Other names: short protein forms P300S.
Identifiers: ClinVar variation 4881221 (VCV004881221.2).